The following is an entry in ClinVar:

ClinVar aggregate classification (germline): Uncertain significance (1 of 4 stars; one submission).

Submission:

GeneDx
Classification: Uncertain significance. Last evaluated: 2025-04-16. Review status: criteria provided, single submitter. Criteria: GeneDx Variant Classification Process June 2021. Collection method: clinical testing. Allele origin: germline. Affected: yes.
Comment: Not observed at significant frequency in large population cohorts (gnomAD); In silico analysis indicates that this missense variant does not alter protein structure/function; Has not been previously published as pathogenic or benign to our knowledge

NM_020719.3(PRR12):c.1996G>T (p.Gly666Trp)

Gene: PRR12 (proline rich 12; plus strand). Cytogenetic location: 19q13.33.
Variant type: single nucleotide variant.
Coding change: c.1996G>T on transcript NM_020719.3 (MANE Select); coding-DNA position 1996, G replaced by T.
Protein change: p.Gly666Trp; replaces glycine 666 with tryptophan.
Molecular consequence: missense variant.
Genome position (GRCh38, 1-based): chr19:49,596,331, G>T. VCF-style: chr19-49596331-G-T. GRCh37 (hg19) VCF-style: chr19-50099588-G-T.
Other names: short protein forms G666W.
Identifiers: ClinVar variation 4282281 (VCV004282281.1).